The following is an entry in ClinVar:

NM_001105206.3(LAMA4):c.1236C>A (p.Ser412Arg)

Gene: LAMA4 (laminin subunit alpha 4; minus strand). Cytogenetic location: 6q21.
Variant type: single nucleotide variant.
Coding change: c.1236C>A on transcript NM_001105206.3 (MANE Select); coding-DNA position 1236, C replaced by A.
Protein change: p.Ser412Arg; replaces serine 412 with arginine.
Molecular consequence: missense variant.
Genome position (GRCh38, 1-based): chr6:112,175,434, G>T on the plus strand (C>A on the coding strand, the complement: LAMA4 is on the minus strand). VCF-style: chr6-112175434-G-T. GRCh37 (hg19) VCF-style: chr6-112496636-G-T.
Other names: c.1215C>A, p.Ser405Arg (NM_001105207.3, NM_002290.5); short protein forms S405R, S412R.
Identifiers: ClinVar variation 3602986 (VCV003602986.2).

ClinVar aggregate classification (germline): Uncertain significance (1 of 4 stars; one submission).

Submission:

GeneDx
Classification: Uncertain significance. Last evaluated: 2025-12-23. Review status: criteria provided, single submitter. Criteria: GeneDx Variant Classification Process June 2021. Collection method: clinical testing. Allele origin: germline.
Comment: Has not been previously published as pathogenic or benign to our knowledge; Not observed at significant frequency in large population cohorts (gnomAD); In silico analysis supports that this missense variant has a deleterious effect on protein structure/function